The following is an entry in ClinVar:

NM_001164508.2(NEB):c.13631_13634dup (p.Ile4546fs)

Gene: NEB (nebulin; minus strand). Cytogenetic location: 2q23.3.
Variant type: Microsatellite.
Coding change: c.13631_13634dup on transcript NM_001164508.2 (MANE Select); coding-DNA positions 13631 to 13634, 4 bases duplicated (TCTC; older notation c.13631_13634dupTCTC).
Protein change: p.Ile4546fs; shifts the reading frame from isoleucine 4546.
Molecular consequence: frameshift variant. On other transcripts: intron variant (1).
Genome position (GRCh38, 1-based): chr2:151,600,596-151,600,599, GAGA duplicated on the plus strand (TCTC on the coding strand, the reverse complement: NEB is on the minus strand). VCF-style (leftmost placement, unchanged base first): chr2-151600595-G-GGAGA. GRCh37 (hg19) VCF-style: chr2-152457109-G-GGAGA.
Other names: c.13631_13634dup, p.Ile4546fs (NM_001164507.2, NM_001271208.2); c.11601+9210TC[4] (NM_004543.5); short protein forms I4546fs.
Identifiers: ClinVar variation 1073729 (VCV001073729.9), dbSNP rs2153903111, ClinGen allele CA2580611355.
Genomic context (GRCh38, chr2:151,600,595, plus strand): 5'-ATCACTTGCCAGTGCCTGACCTTCTTTGGCAGCGCTGATGGACACCATGTCCACAGGGAT[G>GGAGA]GAGATCTTGGCTTTGTGGTCGTTGTAGGCCTTTTTGTACAGCCTGTCATTCTGCATCTTC-3'

ClinVar aggregate classification (germline): Pathogenic (1 of 4 stars; one submission).

Conditions:
Nemaline myopathy 2 (NEM2). Also called: Nemaline myopathy 2, autosomal recessive. Identifiers: MedGen C1850569, MONDO:0009725, OMIM 256030.

Submission:

Labcorp Genetics (formerly Invitae), Labcorp
Classification: Pathogenic for Nemaline myopathy 2. Last evaluated: 2020-08-07. Review status: criteria provided, single submitter. Criteria: Invitae Variant Classification Sherloc (09022015). Collection method: clinical testing. Allele origin: germline.
Comment: This sequence change creates a premature translational stop signal (p.Ile4546Leufs*21) in the NEB gene. It is expected to result in an absent or disrupted protein product. This variant has not been reported in the literature in individuals with NEB-related conditions. This variant occurs in a region of NEB (Exons 82-105) consisting of three highly homologous 8-exon repeat units (exons 82-89, exons 90-97, exons 98-105). Sequence variants in this region can be detected, but this assay cannot determine which of the three repeat units is affected, and zygosity is often ambiguous. All variants in this region are reported relative to the exon 82-89 repeat. For these reasons, this variant has been classified as Pathogenic. Loss-of-function variants in NEB are known to be pathogenic (PMID: 25205138).

Literature cited by the submitters: PubMed 25205138.